The following is an entry in ClinVar:

ClinVar aggregate classification (germline): Pathogenic. Review status: criteria provided, multiple submitters, no conflicts (2 of 4 stars). 2 submissions from 2 submitters: Pathogenic (2). Last evaluated 2025-09-24.

Conditions:
Cystinuria (CSNU). Also called: CYSTINURIA, TYPE I; CYSTINURIA, TYPE II; CYSTINURIA, TYPE III; Cystinuria, non-type I. Identifiers: Orphanet 214, MedGen C0010691, MONDO:0009067, OMIM 220100, HP:0003131.

Allele frequency attached by ClinVar (database versions not stated): gnomAD 0.00001; ExAC 0.00002; gnomAD exomes 0.00001 and below 0.00001; 1000 Genomes Project 30x 0.00031.

Submissions (2):

Genesolutions, Medical Genetics Institutes, Ho Chi Minh City, Vietnam
Classification: Pathogenic for Cystinuria. Last evaluated: 2025-09-24. Review status: criteria provided, single submitter. Criteria: ACMG Guidelines, 2015. Collection method: clinical testing. Allele origin: germline. Affected: yes.

3billion
Classification: Pathogenic for Cystinuria. Last evaluated: 2022-05-22. Review status: criteria provided, single submitter. Criteria: ACMG Guidelines, 2015. Collection method: clinical testing. Allele origin: germline. Affected: yes. Observed: 1 heterozygote.
Comment: The variant is observed at an extremely low frequency in the gnomAD v2.1.1 dataset (total allele frequency: <0.001%). Frameshift: predicted to result in a loss or disruption of normal protein function through nonsense-mediated decay (NMD) or protein truncation. Multiple pathogenic variants are reported downstream of the variant. The variant has been reported to be associated with SLC7A9 related disorder (PMID: 16374432). Therefore, this variant is classified as pathogenic according to the recommendation of ACMG/AMP guideline.

Literature cited by the submitters: PubMed 16374432 (cited by 3billion).

NM_014270.5(SLC7A9):c.730del (p.Glu244fs)

Gene: SLC7A9 (solute carrier family 7 member 9; minus strand). Cytogenetic location: 19q13.11.
Variant type: Deletion.
Coding change: c.730del on transcript NM_014270.5 (MANE Select); coding-DNA position 730, one base deleted (G; older notation c.730delG).
Protein change: p.Glu244fs; shifts the reading frame from glutamic acid 244.
Molecular consequence: frameshift variant.
Genome position (GRCh38, 1-based): chr19:32,860,625, C deleted on the plus strand (G on the coding strand, the reverse complement: SLC7A9 is on the minus strand). VCF-style (leftmost placement, unchanged base first): chr19-32860624-TC-T. GRCh37 (hg19) VCF-style: chr19-33351530-TC-T.
Other names: c.730del, p.Glu244fs (NM_001126335.2, NM_001243036.2); short protein forms E244fs.
Identifiers: ClinVar variation 1687433 (VCV001687433.2), dbSNP rs760452532, ClinGen allele CA9358696.